The following is an entry in ClinVar:

ClinVar aggregate classification (germline): Benign. Review status: criteria provided, single submitter (1 of 4 stars). 2 submissions from 2 submitters: Benign (1). 1 of the submissions does not count toward it. Last evaluated 2025-06-29.

Conditions:
NUP160-related disorder. Also called: NUP160-related condition.

Allele frequency attached by ClinVar (database versions not stated): gnomAD exomes 0.00002; ExAC 0.00022; 1000 Genomes Project 0.00040; 1000 Genomes Project 30x 0.00047; gnomAD 0.00061; TOPMed 0.00075; ESP Exome Variant Server 0.00085.
gnomAD v4.1: 129 of 1,535,486 alleles (0.0084%); highest among the groups gnomAD compares: African/African-American, 0.17%; no homozygotes.

Submissions (2):

Labcorp Genetics (formerly Invitae), Labcorp
Classification: Benign. Last evaluated: 2025-06-29. Review status: criteria provided, single submitter. Criteria: Invitae Variant Classification Sherloc (09022015). Collection method: clinical testing. Allele origin: germline.

PreventionGenetics, part of Exact Sciences
Classification: Likely benign for NUP160-related condition. Last evaluated: 2019-04-05. Review status: no assertion criteria provided. Collection method: clinical testing. Allele origin: germline. Not counted in ClinVar's aggregate classification.
Comment: This variant is classified as likely benign based on ACMG/AMP sequence variant interpretation guidelines (Richards et al. 2015 PMID: 25741868, with internal and published modifications).

NM_015231.3(NUP160):c.2544G>A (p.Leu848=)

Gene: NUP160 (nucleoporin 160; minus strand). Cytogenetic location: 11p11.2.
Variant type: single nucleotide variant.
Coding change: c.2544G>A on transcript NM_015231.3 (MANE Select); coding-DNA position 2544, G replaced by A.
Protein change: p.Leu848=; no amino-acid change (leucine 848 retained).
Molecular consequence: synonymous variant. On other transcripts: non-coding transcript variant (1).
Genome position (GRCh38, 1-based): chr11:47,804,579, C>T on the plus strand (G>A on the coding strand, the complement: NUP160 is on the minus strand). VCF-style: chr11-47804579-C-T. GRCh37 (hg19) VCF-style: chr11-47826131-C-T.
Other names: c.2646G>A (NM_015231.2).
Identifiers: ClinVar variation 2194753 (VCV002194753.6), dbSNP rs139328483, ClinGen allele CA5980952.
Genomic context (GRCh38, chr11:47,804,579, plus strand): 5'-TGTAGACATGAAATGTTCAAAGGAACTCACCTGCAATTGTACATATTGGCAATTTCCCAT[C>T]AAACATTCTAGAAAGAGACAACCAGGATTGCTAGGCCATCTAGTCATTGGTTAAGGATAT-3'
Protein context (NP_056046.2, residues 838-858): SNPGCLFLEC[Leu848=]MGNCQYVQLQ